The following is an entry in ClinVar:

NC_000003.12:g.48467729T>C

Gene: TREX1 (three prime repair exonuclease 1; plus strand). Cytogenetic location: 3p21.31.
Variant type: single nucleotide variant.
Genome position: GRCh38 VCF-style: chr3-48467729-T-C. GRCh37 (hg19) VCF-style: chr3-48509128-T-C.
Identifiers: ClinVar variation 3051442 (VCV003051442.2), dbSNP rs3135947, ClinGen allele CA73933575.

ClinVar aggregate classification (germline): Likely benign (0 of 4 stars; one submission).

Conditions:
TREX1-related disorder. Also called: TREX1-related disorders; TREX1-related condition. Identifiers: MedGen CN239414.

Allele frequency attached by ClinVar (database versions not stated): gnomAD 0.00003; gnomAD exomes 0.00003; TOPMed 0.00004.

Submission:

PreventionGenetics, part of Exact Sciences
Classification: Likely benign for TREX1-related condition. Last evaluated: 2022-06-06. Review status: no assertion criteria provided. Collection method: clinical testing. Allele origin: germline.
Comment: This variant is classified as likely benign based on ACMG/AMP sequence variant interpretation guidelines (Richards et al. 2015 PMID: 25741868, with internal and published modifications).